The following is an entry in ClinVar:

ClinVar aggregate classification (germline): Uncertain significance (1 of 4 stars; one submission).

Conditions:
Tuberous sclerosis 2 (TSC2). Identifiers: Orphanet 805, MedGen C1860707, MONDO:0013199, OMIM 613254.

Submission:

Labcorp Genetics (formerly Invitae), Labcorp
Classification: Uncertain significance for Tuberous sclerosis 2. Last evaluated: 2022-12-04. Review status: criteria provided, single submitter. Criteria: Invitae Variant Classification Sherloc (09022015). Collection method: clinical testing. Allele origin: germline.
Comment: In summary, the available evidence is currently insufficient to determine the role of this variant in disease. Therefore, it has been classified as a Variant of Uncertain Significance. Algorithms developed to predict the effect of sequence changes on RNA splicing suggest that this variant may disrupt the consensus splice site. Advanced modeling of protein sequence and biophysical properties (such as structural, functional, and spatial information, amino acid conservation, physicochemical variation, residue mobility, and thermodynamic stability) performed at Invitae indicates that this missense variant is not expected to disrupt TSC2 protein function. This variant has not been reported in the literature in individuals affected with TSC2-related conditions. This variant is not present in population databases (gnomAD no frequency). This sequence change replaces glutamic acid, which is acidic and polar, with glycine, which is neutral and non-polar, at codon 1107 of the TSC2 protein (p.Glu1107Gly).

NM_000548.5(TSC2):c.3320A>G (p.Glu1107Gly)

Gene: TSC2 (TSC complex subunit 2; plus strand). Cytogenetic location: 16p13.3.
Variant type: single nucleotide variant.
Coding change: c.3320A>G on transcript NM_000548.5 (MANE Select); coding-DNA position 3320, A replaced by G.
Protein change: p.Glu1107Gly; replaces glutamic acid 1107 with glycine.
Molecular consequence: missense variant. On other transcripts: non-coding transcript variant (5).
Genome position (GRCh38, 1-based): chr16:2,079,592, A>G. VCF-style: chr16-2079592-A-G. GRCh37 (hg19) VCF-style: chr16-2129593-A-G.
Other names: c.1847A>G, p.Glu616Gly (NM_001406690.1, NM_001406692.1, NM_001406693.1 and 1 more transcripts); c.1844A>G, p.Glu615Gly (NM_001406691.1, NM_001406695.1, NM_001406696.1 and 1 more transcripts); c.1586A>G, p.Glu529Gly (NM_001406698.1); c.3191A>G, p.Glu1064Gly (NM_021055.3, NM_001363528.2, NM_001370405.1); c.3188A>G, p.Glu1063Gly (NM_001077183.3, NM_001370404.1, NM_001406665.1); c.3320A>G, p.Glu1107Gly (NM_001114382.3); c.3080A>G, p.Glu1027Gly (NM_001318827.2); c.3044A>G, p.Glu1015Gly (NM_001318829.2); and 18 more; short protein forms E1015G, E1044G, E1060G, E616G, E1026G, E1058G, E1059G, E1064G.
Identifiers: ClinVar variation 2818674 (VCV002818674.3), dbSNP rs2544067010, ClinGen allele CA394286585.